The following is an entry in ClinVar:

ClinVar aggregate classification (germline): Conflicting classifications of pathogenicity. Review status: criteria provided, conflicting classifications (1 of 4 stars). 3 submissions from 3 submitters: Uncertain significance (1); Likely benign (2). Last evaluated 2025-07-30.

Conditions:
Focal segmental glomerulosclerosis 5 (FSGS5). Identifiers: Orphanet 656, MedGen C2750475, MONDO:0013191, OMIM 613237.
Charcot-Marie-Tooth disease dominant intermediate E. Also called: CHARCOT-MARIE-TOOTH NEUROPATHY WITH FOCAL SEGMENTAL GLOMERULONEPHRITIS. Identifiers: Orphanet 93114, MedGen C4302667, MONDO:0013758, OMIM 614455.

Allele frequency attached by ClinVar (database versions not stated): TOPMed below 0.00001; gnomAD exomes 0.00001; ExAC 0.00003.
gnomAD v4.1: 22 of 1,612,402 alleles (0.0014%); highest among the groups gnomAD compares: Non-Finnish European, 0.0016%; no homozygotes.

Submissions (3):

Mayo Clinic Laboratories, Mayo Clinic
Classification: Likely benign. Last evaluated: 2025-07-30. Review status: criteria provided, single submitter. Criteria: ACMG Guidelines, 2015. Collection method: clinical testing. Allele origin: germline. Observed: 1 variant allele.
Comment: BS2, BP4_moderate

Labcorp Genetics (formerly Invitae), Labcorp
Classification: Likely benign for Charcot-Marie-Tooth disease dominant intermediate E; Focal segmental glomerulosclerosis 5. Last evaluated: 2024-11-11. Review status: criteria provided, single submitter. Criteria: Invitae Variant Classification Sherloc (09022015). Collection method: clinical testing. Allele origin: germline.

GeneDx
Classification: Uncertain significance. Last evaluated: 2017-06-09. Review status: criteria provided, single submitter. Criteria: GeneDx Variant Classification (06012015). Collection method: clinical testing. Allele origin: germline. Affected: yes.
Comment: A variant of uncertain significance has been identified in the INF2 gene. The A1165V variant has not been published as a pathogenic variant, nor has it been reported as a benign variant to our knowledge. The A1165V variant is observed in 3/63434 (0.005%) alleles from individuals of European background, in the ExAC dataset (Lek et al., 2016; 1000 Genomes Consortium et al., 2015; Exome Variant Server). The A1165V variant is a conservative amino acid substitution, which is not likely to impact secondary protein structure as these residues share similar properties. This substitution occurs at a position that is not conserved. However, in silico analysis is inconsistent in its predictions as to whether or not the variant is damaging to the protein structure/function. Therefore, based on the currently available information, it is unclear whether this variant is a pathogenic variant or a rare benign variant.

NM_022489.4(INF2):c.3494C>T (p.Ala1165Val)

Gene: INF2 (inverted formin 2; plus strand). Cytogenetic location: 14q32.33.
Variant type: single nucleotide variant.
Coding change: c.3494C>T on transcript NM_022489.4 (MANE Select); coding-DNA position 3494, C replaced by T.
Protein change: p.Ala1165Val; replaces alanine 1165 with valine.
Molecular consequence: missense variant.
Genome position (GRCh38, 1-based): chr14:104,714,656, C>T. VCF-style: chr14-104714656-C-T. GRCh37 (hg19) VCF-style: chr14-105180993-C-T.
Other names: p.Ala1165Val; c.3494C>T, p.Ala1165Val (NM_001031714.4); short protein forms A1165V.
Identifiers: ClinVar variation 432619 (VCV000432619.6), dbSNP rs771044828, ClinGen allele CA7373277.